The following is an entry in ClinVar:

NM_004817.4(TJP2):c.788G>A (p.Arg263Gln)

Gene: TJP2 (tight junction protein 2; plus strand). Cytogenetic location: 9q21.11.
Variant type: single nucleotide variant.
Coding change: c.788G>A on transcript NM_004817.4 (MANE Select); coding-DNA position 788, G replaced by A.
Protein change: p.Arg263Gln; replaces arginine 263 with glutamine.
Molecular consequence: missense variant.
Genome position (GRCh38, 1-based): chr9:69,221,332, G>A. VCF-style: chr9-69221332-G-A. GRCh37 (hg19) VCF-style: chr9-71836248-G-A.
Other names: p.Arg263Gln; c.788G>A (NM_004817.3); c.719G>A, p.Arg240Gln (NM_001170414.2, NM_001369870.1, NM_001369871.1); c.800G>A, p.Arg267Gln (NM_001170415.1, NM_001369874.1, NM_001369875.1); c.881G>A, p.Arg294Gln (NM_001170416.2); c.788G>A, p.Arg263Gln (NM_001369872.1, NM_001369873.1, NM_201629.3); short protein forms R267Q, R240Q, R263Q, R294Q.
Identifiers: ClinVar variation 1412106 (VCV001412106.10), dbSNP rs368849809, ClinGen allele CA5073100.

ClinVar aggregate classification (germline): Uncertain significance. Review status: criteria provided, multiple submitters, no conflicts (2 of 4 stars). 3 submissions from 3 submitters: Uncertain significance (3). Last evaluated 2024-10-23.

Allele frequency attached by ClinVar (database versions not stated): gnomAD exomes 0.00001 and 0.00003; ExAC 0.00006; ESP Exome Variant Server 0.00008; gnomAD 0.00011; 1000 Genomes Project 30x 0.00016; 1000 Genomes Project 0.00020.

Submissions (3):

Labcorp Genetics (formerly Invitae), Labcorp
Classification: Uncertain significance. Last evaluated: 2024-10-23. Review status: criteria provided, single submitter. Criteria: Invitae Variant Classification Sherloc (09022015). Collection method: clinical testing. Allele origin: germline.
Comment: This sequence change replaces arginine, which is basic and polar, with glutamine, which is neutral and polar, at codon 263 of the TJP2 protein (p.Arg263Gln). This variant is present in population databases (rs368849809, gnomAD 0.03%). This variant has not been reported in the literature in individuals affected with TJP2-related conditions. ClinVar contains an entry for this variant (Variation ID: 1412106). An algorithm developed to predict the effect of missense changes on protein structure and function outputs the following: PolyPhen-2: "Benign". The glutamine amino acid residue is found in multiple mammalian species, which suggests that this missense change does not adversely affect protein function. In summary, the available evidence is currently insufficient to determine the role of this variant in disease. Therefore, it has been classified as a Variant of Uncertain Significance.

Mayo Clinic Laboratories, Mayo Clinic
Classification: Uncertain significance. Last evaluated: 2023-06-22. Review status: criteria provided, single submitter. Criteria: ACMG Guidelines, 2015. Collection method: clinical testing. Allele origin: germline. Observed: 1 variant allele.
Comment: BP4

GeneDx
Classification: Uncertain significance. Last evaluated: 2023-05-18. Review status: criteria provided, single submitter. Criteria: GeneDx Variant Classification Process June 2021. Collection method: clinical testing. Allele origin: germline. Affected: yes.
Comment: In silico analysis supports that this missense variant does not alter protein structure/function; Has not been previously published as pathogenic or benign to our knowledge